The following is an entry in ClinVar:

NM_212482.4(FN1):c.3109G>C (p.Gly1037Arg)

Gene: FN1 (fibronectin 1; minus strand). Cytogenetic location: 2q35.
Variant type: single nucleotide variant.
Coding change: c.3109G>C on transcript NM_212482.4 (MANE Select); coding-DNA position 3109, G replaced by C.
Protein change: p.Gly1037Arg; replaces glycine 1037 with arginine.
Molecular consequence: missense variant.
Genome position (GRCh38, 1-based): chr2:215,404,533, C>G on the plus strand (G>C on the coding strand, the complement: FN1 is on the minus strand). VCF-style: chr2-215404533-C-G. GRCh37 (hg19) VCF-style: chr2-216269256-C-G.
Other names: c.3109G>C, p.Gly1037Arg (NM_001306129.2, NM_001306130.2, NM_001306131.2 and 13 more transcripts); short protein forms G1037R.
Identifiers: ClinVar variation 1369933 (VCV001369933.6), dbSNP rs2106243287, ClinGen allele CA350489351.

ClinVar aggregate classification (germline): Uncertain significance (1 of 4 stars; one submission).

Submission:

Labcorp Genetics (formerly Invitae), Labcorp
Classification: Uncertain significance. Last evaluated: 2025-03-04. Review status: criteria provided, single submitter. Criteria: Invitae Variant Classification Sherloc (09022015). Collection method: clinical testing. Allele origin: germline.
Comment: This sequence change replaces glycine, which is neutral and non-polar, with arginine, which is basic and polar, at codon 1037 of the FN1 protein (p.Gly1037Arg). This variant is not present in population databases (gnomAD no frequency). This variant has not been reported in the literature in individuals affected with FN1-related conditions. ClinVar contains an entry for this variant (Variation ID: 1369933). An algorithm developed to predict the effect of missense changes on protein structure and function (PolyPhen-2) suggests that this variant is likely to be disruptive. In summary, the available evidence is currently insufficient to determine the role of this variant in disease. Therefore, it has been classified as a Variant of Uncertain Significance.